The following is an entry in ClinVar:

NM_006343.3(MERTK):c.413T>C (p.Leu138Pro)

Gene: MERTK (MER proto-oncogene, tyrosine kinase; plus strand). Cytogenetic location: 2q13.
Variant type: single nucleotide variant.
Coding change: c.413T>C on transcript NM_006343.3 (MANE Select); coding-DNA position 413, T replaced by C.
Protein change: p.Leu138Pro; replaces leucine 138 with proline.
Molecular consequence: missense variant.
Genome position (GRCh38, 1-based): chr2:111,929,471, T>C. VCF-style: chr2-111929471-T-C. GRCh37 (hg19) VCF-style: chr2-112687048-T-C.
Other names: short protein forms L138P.
Identifiers: ClinVar variation 1517106 (VCV001517106.8), dbSNP rs2104686768, ClinGen allele CA348226712.

ClinVar aggregate classification (germline): Uncertain significance (1 of 4 stars; one submission).

Submission:

Labcorp Genetics (formerly Invitae), Labcorp
Classification: Uncertain significance. Last evaluated: 2025-01-06. Review status: criteria provided, single submitter. Criteria: Invitae Variant Classification Sherloc (09022015). Collection method: clinical testing. Allele origin: germline.
Comment: This sequence change replaces leucine, which is neutral and non-polar, with proline, which is neutral and non-polar, at codon 138 of the MERTK protein (p.Leu138Pro). This variant is not present in population databases (gnomAD no frequency). This variant has not been reported in the literature in individuals affected with MERTK-related conditions. ClinVar contains an entry for this variant (Variation ID: 1517106). Invitae Evidence Modeling of protein sequence and biophysical properties (such as structural, functional, and spatial information, amino acid conservation, physicochemical variation, residue mobility, and thermodynamic stability) has been performed for this missense variant. However, the output from this modeling did not meet the statistical confidence thresholds required to predict the impact of this variant on MERTK protein function. In summary, the available evidence is currently insufficient to determine the role of this variant in disease. Therefore, it has been classified as a Variant of Uncertain Significance.